The following is an entry in ClinVar:

ClinVar aggregate classification (germline): Likely pathogenic (1 of 4 stars; one submission).

Submission:

Mayo Clinic Laboratories, Mayo Clinic
Classification: Likely pathogenic. Last evaluated: 2024-03-07. Review status: criteria provided, single submitter. Criteria: ACMG Guidelines, 2015. Collection method: clinical testing. Allele origin: germline. Observed: 1 variant allele.
Comment: PM2, PVS1

NM_001256850.1:c.80282_80283insN[(4000_5000)]

Gene: TTN (titin; minus strand).
Variant type: Insertion.
Other names: p.Arg26762Glyfs*23; c.80282_80283insN[(4000_5000)] (NM_001256850.1).
Identifiers: ClinVar variation 3380958 (VCV003380958.1).